The following is an entry in ClinVar:

ClinVar aggregate classification (germline): Uncertain significance (1 of 4 stars; one submission).

Conditions:
Neurodevelopmental disorder with or without variable movement or behavioral abnormalities (NEDMAB). Identifiers: MedGen C5676908, MONDO:0859225, OMIM 619725.
Dystonia 34, myoclonic (DYT34). Identifiers: MedGen C5676907, MONDO:0030538, OMIM 619724.

Submission:

Juno Genomics, Hangzhou Juno Genomics, Inc
Classification: Uncertain significance for Dystonia 34, myoclonic; Neurodevelopmental disorder with or without variable movement or behavioral abnormalities. Review status: criteria provided, single submitter. Criteria: ACMG Guidelines, 2015. Collection method: clinical testing. Allele origin: germline.
Comment: Absent from controls (or at extremely low frequency if recessive) in Genome Aggregation Database.;Multiple lines of computational evidence support a deleterious effect on the gene or gene product.

NM_021614.4(KCNN2):c.1759T>G (p.Cys587Gly)

Genes: KCNN2 (potassium calcium-activated channel subfamily N member 2; plus strand), KCNN2-AS1 (KCNN2 antisense RNA 1; minus strand). Cytogenetic location: 5q22.3.
Variant type: single nucleotide variant.
Coding change: c.1759T>G on transcript NM_021614.4 (MANE Select); coding-DNA position 1759, T replaced by G.
Protein change: p.Cys587Gly; replaces cysteine 587 with glycine.
Molecular consequence: missense variant. On other transcripts: non-coding transcript variant (2).
Genome position (GRCh38, 1-based): chr5:114,463,170, T>G. VCF-style: chr5-114463170-T-G. GRCh37 (hg19) VCF-style: chr5-113798867-T-G.
Other names: c.1957T>G, p.Cys653Gly (NM_001372233.1); c.79T>G, p.Cys27Gly (NM_170775.3); short protein forms C27G, C587G, C653G.
Identifiers: ClinVar variation 5006815 (VCV005006815.2).